The following is an entry in ClinVar:

ClinVar aggregate classification (germline): Likely pathogenic (1 of 4 stars; one submission).

Conditions:
Combined immunodeficiency due to DOCK8 deficiency (HIES2). Also called: DOCK8 Deficiency; HIES autosomal recessive; HYPER-IgE SYNDROME 2, AUTOSOMAL RECESSIVE, WITH RECURRENT INFECTIONS; Hyper-IgE recurrent infection syndrome, autosomal recessive; HYPER-IgE RECURRENT INFECTION SYNDROME 2, AUTOSOMAL RECESSIVE. Identifiers: Orphanet 217390, MedGen C4722305, MONDO:0009478, OMIM 243700.

Submission:

Labcorp Genetics (formerly Invitae), Labcorp
Classification: Likely pathogenic for Combined immunodeficiency due to DOCK8 deficiency. Last evaluated: 2025-10-25. Review status: criteria provided, single submitter. Criteria: Invitae Variant Classification Sherloc (09022015). Collection method: clinical testing. Allele origin: germline.
Comment: This sequence change affects an acceptor splice site in intron 33 of the DOCK8 gene. It is expected to disrupt RNA splicing. Variants that disrupt the donor or acceptor splice site typically lead to a loss of protein function (PMID: 16199547), and loss-of-function variants in DOCK8 are known to be pathogenic (PMID: 14722525, 19776401). This variant is not present in population databases (gnomAD no frequency). This variant has not been reported in the literature in individuals affected with DOCK8-related conditions. Algorithms developed to predict the effect of sequence changes on RNA splicing suggest that this variant may disrupt the consensus splice site. In summary, the currently available evidence indicates that the variant is pathogenic, but additional data are needed to prove that conclusively. Therefore, this variant has been classified as Likely Pathogenic.

Literature cited by the submitters: PubMed 16199547; PubMed 14722525; PubMed 19776401.

NM_203447.4(DOCK8):c.4242-1G>C

Gene: DOCK8 (dedicator of cytokinesis 8; plus strand). Cytogenetic location: 9p24.3.
Variant type: single nucleotide variant.
Coding change: c.4242-1G>C on transcript NM_203447.4 (MANE Select); the canonical splice acceptor site of the intron before coding-DNA position 4242, G replaced by C.
Molecular consequence: splice acceptor variant.
Genome position (GRCh38, 1-based): chr9:426,884, G>C. VCF-style: chr9-426884-G-C. GRCh37 (hg19) VCF-style: chr9-426884-G-C.
Other names: c.4038-1G>C (NM_001193536.2); c.3942-1G>C (NM_001190458.2).
Identifiers: ClinVar variation 4811373 (VCV004811373.1).